The following is an entry in ClinVar:

ClinVar aggregate classification (germline): Uncertain significance (1 of 4 stars; one submission).

Conditions:
Alstrom syndrome (ALMS). Identifiers: Orphanet 64, MedGen C0268425, MONDO:0008763, OMIM 203800.

Allele frequency attached by ClinVar (database versions not stated): gnomAD exomes below 0.00001; gnomAD 0.00001; TOPMed 0.00001; ExAC 0.00002.
gnomAD v4.1: 7 of 1,613,974 alleles (0.00043%); highest among the groups gnomAD compares: Admixed American, 0.0033%; no homozygotes.

Submission:

Labcorp Genetics (formerly Invitae), Labcorp
Classification: Uncertain significance for Alstrom syndrome. Last evaluated: 2022-10-04. Review status: criteria provided, single submitter. Criteria: Invitae Variant Classification Sherloc (09022015). Collection method: clinical testing. Allele origin: germline.
Comment: This sequence change replaces serine, which is neutral and polar, with leucine, which is neutral and non-polar, at codon 1740 of the ALMS1 protein (p.Ser1740Leu). This variant is present in population databases (rs748420586, gnomAD 0.009%). This variant has not been reported in the literature in individuals affected with ALMS1-related conditions. Experimental studies and prediction algorithms are not available or were not evaluated, and the functional significance of this variant is currently unknown. In summary, the available evidence is currently insufficient to determine the role of this variant in disease. Therefore, it has been classified as a Variant of Uncertain Significance.

NM_001378454.1(ALMS1):c.5216C>T (p.Ser1739Leu)

Gene: ALMS1 (ALMS1 centrosome and basal body associated protein; plus strand). Cytogenetic location: 2p13.1.
Variant type: single nucleotide variant.
Coding change: c.5216C>T on transcript NM_001378454.1 (MANE Select); coding-DNA position 5216, C replaced by T.
Protein change: p.Ser1739Leu; replaces serine 1739 with leucine.
Molecular consequence: missense variant.
Genome position (GRCh38, 1-based): chr2:73,451,743, C>T. VCF-style: chr2-73451743-C-T. GRCh37 (hg19) VCF-style: chr2-73678870-C-T.
Other names: c.5219C>T, p.Ser1740Leu (NM_015120.4); short protein forms S1739L, S1740L.
Identifiers: ClinVar variation 2139784 (VCV002139784.1), dbSNP rs748420586, ClinGen allele CA1713844.